The following is an entry in ClinVar:

NM_138694.4(PKHD1):c.5476del (p.Ala1826fs)

Gene: PKHD1 (PKHD1 ciliary IPT domain containing fibrocystin/polyductin; minus strand). Cytogenetic location: 6p12.2.
Variant type: Deletion.
Coding change: c.5476del on transcript NM_138694.4 (MANE Select); coding-DNA position 5476, one base deleted (G; older notation c.5476delG).
Protein change: p.Ala1826fs; shifts the reading frame from alanine 1826.
Molecular consequence: frameshift variant.
Genome position (GRCh38, 1-based): chr6:52,017,534, C deleted on the plus strand (G on the coding strand, the reverse complement: PKHD1 is on the minus strand); the first of 2 consecutive C bases (chr6:52,017,534-52,017,535); deleting either gives the same sequence. VCF-style (leftmost placement, unchanged base first): chr6-52017533-GC-G. GRCh37 (hg19) VCF-style: chr6-51882331-GC-G.
Other names: c.5476del, p.Ala1826fs (NM_170724.3); c.5476delG (NM_138694.3); short protein forms A1826fs.
Identifiers: ClinVar variation 2677807 (VCV002677807.3), dbSNP rs2538215743, ClinGen allele CA2679088261.

ClinVar aggregate classification (germline): Pathogenic/Likely pathogenic. Review status: criteria provided, multiple submitters, no conflicts (2 of 4 stars). 2 submissions from 2 submitters: Pathogenic (1); Likely pathogenic (1). Last evaluated 2024-10-25.

Conditions:
Autosomal recessive polycystic kidney disease (ARPKD). Also called: AR polycystic kidney disease. Identifiers: Orphanet 731, Orphanet 8378, MedGen C0085548, MeSH D017044, MONDO:0009889.
Polycystic kidney disease 4 (PKD4). Also called: POLYCYSTIC KIDNEY AND HEPATIC DISEASE 1; POLYCYSTIC KIDNEY DISEASE, INFANTILE, TYPE I; PKD3; POLYCYSTIC KIDNEY DISEASE 4 WITH OR WITHOUT POLYCYSTIC LIVER DISEASE; Autosomal Recessive Polycystic Kidney Disease – PKHD1. Identifiers: MedGen C4540575, MONDO:0033004, OMIM 263200.

Submissions (2):

Natera, Inc.
Classification: Likely pathogenic for Autosomal recessive polycystic kidney disease. Last evaluated: 2024-10-25. Review status: criteria provided, single submitter. Criteria: Natera Variant Classification Schema (03/2026). Collection method: clinical testing. Allele origin: germline.
Comment: The c.5476delG variant in PKHD1 is a frameshift variant predicted to shift the reading frame beginning at codon 1826 and leads to a stop codon 148 codons downstream. This variant is expected to result in nonsense mediated decay, truncation, or a dysfunctional protein product. This variant is rare in the general population with a frequency below the threshold expected for the associated phenotype(s). Given the available evidence, this variant is classified as Likely Pathogenic.

Baylor Genetics
Classification: Pathogenic for Polycystic kidney disease 4. Last evaluated: 2024-02-25. Review status: criteria provided, single submitter. Criteria: ACMG Guidelines, 2015. Collection method: clinical testing. Allele origin: unknown.